The following is an entry in ClinVar:

ClinVar aggregate classification (germline): Conflicting classifications of pathogenicity. Review status: criteria provided, conflicting classifications (1 of 4 stars). 12 submissions from 11 submitters: Uncertain significance (7); Likely benign (3). 2 of the submissions do not count toward it. Last evaluated 2026-07-13.

Conditions:
Familial cancer of breast. Also called: BREAST CANCER, FAMILIAL; Hereditary breast cancer; hereditary breast carcinoma. Identifiers: Orphanet 227535, MedGen C0346153, MONDO:0016419, OMIM 114480. Disease mechanism: loss of function.
Pancreatic cancer, susceptibility to, 4. Identifiers: Orphanet 1333, MedGen C3280442, MONDO:0013685, OMIM 614320.
Fanconi anemia, complementation group S (FANCS). Identifiers: MedGen C4554406, MONDO:0054748, OMIM 617883.
Breast-ovarian cancer, familial, susceptibility to, 1 (BROVCA1). Also called: OVARIAN CANCER, SUSCEPTIBILITY TO; BRCA1 Hereditary Breast and Ovarian Cancer. Identifiers: Orphanet 145, MedGen C2676676, MONDO:0011450, OMIM 604370. Disease mechanism: loss of function.
Hereditary cancer-predisposing syndrome. Also called: Hereditary Cancer Syndrome; Hereditary neoplastic syndrome; Tumor predisposition; Neoplastic Syndromes, Hereditary. Identifiers: Orphanet 140162, MedGen C0027672, MeSH D009386, MONDO:0015356.
Hereditary breast ovarian cancer syndrome. Also called: Hereditary breast and ovarian cancer syndrome; Hereditary breast and ovarian cancer syndrome (HBOC); BRCA1- and BRCA2-Associated Hereditary Breast and Ovarian Cancer; Breast and ovarian cancer; Hereditary breast and ovarian cancer; Hereditary breast and/or ovarian cancer syndrome. Identifiers: Orphanet 145, MedGen C0677776, MeSH D061325, MONDO:0003582. Disease mechanism: loss of function.
BRCA1-related disorder. Also called: BRCA1-related condition.

Allele frequency attached by ClinVar (database versions not stated): ExAC 0.00001; gnomAD 0.00001; TOPMed 0.00002; gnomAD exomes 0.00003; ESP Exome Variant Server 0.00008.
gnomAD v4.1: 9 of 1,613,318 alleles (0.00056%); highest among the groups gnomAD compares: Admixed American, 0.013%; no homozygotes.

Submissions (13):

PreventionGenetics, part of Exact Sciences
Classification: Uncertain significance for BRCA1-related condition. Last evaluated: 2026-07-13. Review status: criteria provided, single submitter. Criteria: ACMG Guidelines, 2015. Collection method: clinical testing. Allele origin: germline.
Comment: The BRCA1 c.20G>A variant is predicted to result in the amino acid substitution p.Arg7His. This variant has been reported in individuals undergoing testing for hereditary breast/ovarian cancer with one study interpreting this variant as likely benign (Table 2 - Judkins et al. 2005. PubMed ID: 16267036; Supp. Table 1, Innella et al. 2024. PubMed ID: 38160042). This variant has also been reported in an individual with out cancer (Momozawa et al. 2018. PubMed ID: 30287823). Functional studies showed this variant does not negatively impact BRCA1 function (Findlay et al. 2018. PubMed ID: 30209399). This variant is reported in 0.017% of alleles in individuals of Latino descent in gnomAD and has conflicting interpretations of likely benign and uncertain in ClinVar (Variation ID: 184875). Although we suspect this variant is likely benign, at this time, the clinical significance of this variant is uncertain due to the absence of conclusive functional and genetic evidence.

Labcorp Genetics (formerly Invitae), Labcorp
Classification: Uncertain significance for Hereditary breast ovarian cancer syndrome. Last evaluated: 2026-01-18. Review status: criteria provided, single submitter. Criteria: Invitae Variant Classification Sherloc (09022015). Collection method: clinical testing. Allele origin: germline.
Comment: This sequence change replaces arginine, which is basic and polar, with histidine, which is basic and polar, at codon 7 of the BRCA1 protein (p.Arg7His). This variant is present in population databases (rs144792613, gnomAD 0.02%). This missense change has been observed in individual(s) with breast cancer and/or ovarian cancer (PMID: 37937776). ClinVar contains an entry for this variant (Variation ID: 184875). Invitae Evidence Modeling incorporating data from in vitro experimental studies (PMID: 30209399) indicates that this missense variant is not expected to disrupt BRCA1 function with a negative predictive value of 95%. Experimental studies have shown that this missense change does not substantially affect BRCA1 function (PMID: 25823446, 30209399). In summary, the available evidence is currently insufficient to determine the role of this variant in disease. Therefore, it has been classified as a Variant of Uncertain Significance.

Women's Health and Genetics/Laboratory Corporation of America, LabCorp
Classification: Uncertain significance. Last evaluated: 2024-12-31. Review status: criteria provided, single submitter. Criteria: LabCorp Variant Classification Summary - May 2015. Collection method: clinical testing. Allele origin: germline.
Comment: Variant summary: BRCA1 c.20G>A (p.Arg7His) results in a non-conservative amino acid change in the encoded protein sequence. Four of five in-silico tools predict a benign effect of the variant on protein function. The variant allele was found at a frequency of 2.8e-05 in 251074 control chromosomes (gnomAD). The available data on variant occurrences in the general population are insufficient to allow any conclusion about variant significance. c.20G>A has been reported in the literature in individuals affected with breast and/or ovarian cancer without evidence of causality (e.g. Judkins_2005, Innella_2024). These reports do not provide unequivocal conclusions about association of the variant with Hereditary Breast And Ovarian Cancer Syndrome. At least one functional study reports experimental evidence evaluating an impact on protein function and showed no damaging effect of this variant on homology directed repair (HDR) activity (e.g. Findlay_2018). HDR assays qualify as a recognized gold standard on the basis of updated guidance provided by the ClinGen Sequence Variant Interpretation (SVI) working group. The following publications have been ascertained in the context of this evaluation (PMID: 16267036, 25823446, 30209399, 38160042). ClinVar contains an entry for this variant (Variation ID: 184875). Based on the evidence outlined above, the variant was classified as VUS-possibly benign.

Fulgent Genetics
Classification: Uncertain significance for Breast-ovarian cancer, familial, susceptibility to, 1; Pancreatic cancer, susceptibility to, 4; Fanconi anemia, complementation group S. Last evaluated: 2024-06-10. Review status: criteria provided, single submitter. Criteria: ACMG Guidelines, 2015. Collection method: clinical testing. Allele origin: germline.

Color Diagnostics, LLC DBA Color Health
Classification: Likely benign for Hereditary cancer-predisposing syndrome. Last evaluated: 2023-04-20. Review status: criteria provided, single submitter. Criteria: ACMG Guidelines, 2015. Collection method: clinical testing. Allele origin: germline.

Quest Diagnostics Nichols Institute San Juan Capistrano
Classification: Likely benign. Last evaluated: 2022-07-13. Review status: criteria provided, single submitter. Criteria: Quest Diagnostics criteria. Collection method: clinical testing. Allele origin: unknown.

Sema4
Classification: Uncertain significance for Hereditary cancer-predisposing syndrome. Last evaluated: 2022-02-26. Review status: criteria provided, single submitter. Criteria: Sema4 Curation Guidelines. Collection method: curation. Allele origin: germline.
Comment: The BRCA1 c.20G>A (p.R7H) variant has been reported in heterozygosity in at least one individual with a personal and/or family history of hereditary breast and/or ovarian cancer (PMID: 16267036). In silico predictions of the variant's effect on protein function are inconclusive. However, homology-directed DNA repair, BARD1 binding, E3 ubiquitin ligase, and haploid cell proliferation assays demonstrated the normal function of the protein in the presence of the variant (PMID: 30209399, 25823446). This variant was observed in 6/34592 chromosomes in the Latino population according to the Genome Aggregation Database (PMID: 32461654). The variant has been reported in ClinVar (Variation ID: 184875). The evidence is insufficient to meet ACMG/AMP criteria for classifying the variant as benign or pathogenic. Thus, the clinical significance of this variant is currently uncertain.

Fulgent Genetics
Classification: Uncertain significance for Familial cancer of breast; Breast-ovarian cancer, familial, susceptibility to, 1; Pancreatic cancer, susceptibility to, 4; Fanconi anemia, complementation group S. Last evaluated: 2018-10-31. Review status: criteria provided, single submitter. Criteria: ACMG Guidelines, 2015. Collection method: clinical testing. Allele origin: unknown.

GeneDx
Classification: Uncertain significance. Last evaluated: 2018-01-29. Review status: criteria provided, single submitter. Criteria: GeneDx Variant Classification (06012015). Collection method: clinical testing. Allele origin: germline. Affected: yes.
Comment: This variant is denoted BRCA1 c.20G>A at the cDNA level, p.Arg7His (R7H) at the protein level, and results in the change of an Arginine to a Histidine (CGC>CAC). Using alternate nomenclature, this variant would be defined as BRCA1 139G>A. This variant has been observed in at least one individual referred for BRCA1 testing (Judkins 2005). It was demonstrated to have E3 ligase activity and BARD1 interaction similar to wildtype and was able to rescue homology-directed repair in a cell line lacking endogenous BRCA1 (Starita 2015). BRCA1 Arg7His was not observed in large population cohorts (Lek 2016). This variant is located in the RING domain and a region known to interact with BRD7 (Harte 2010, Borg 2010, Paul 2014). In silico analysis, which includes protein predictors and evolutionary conservation, supports that this variant does not alter protein structure/function. Based on currently available evidence, it is unclear whether BRCA1 Arg7His is a pathogenic or benign variant. We consider it to be a variant of uncertain significance.

Ambry Genetics
Classification: Likely benign for Hereditary cancer-predisposing syndrome. Last evaluated: 2017-05-08. Review status: criteria provided, single submitter. Criteria: Ambry Variant Classification Scheme 2023. Collection method: clinical testing. Allele origin: germline.

BRCAlab, Lund University
Classification: Likely benign for Breast-ovarian cancer, familial, susceptibility to, 1. Last evaluated: 2024-02-02. Review status: no assertion criteria provided. Collection method: clinical testing. Allele origin: germline. Affected: yes. Not counted in ClinVar's aggregate classification.

Department of Medical and Surgical Sciences, University of Bologna
Classification: Likely benign for Breast-ovarian cancer, familial, susceptibility to, 1. Last evaluated: 2023-09-01. Review status: no assertion criteria provided. Collection method: clinical testing. Allele origin: germline. Affected: yes. Not counted in ClinVar's aggregate classification.
Comment: BS1(Supporting)+BS3(Strong)+BP4(Supporting) according to ACMG/AMP classification guidelines specified for BRCA1 & BRCA2 (Classification Criteria V1.0.0 2023-09-08) (PMID: 38160042)

Brotman Baty Institute, University of Washington
No classification provided (evidence only). Condition: Breast-ovarian cancer, familial 1. Review status: no classification provided. Collection method: in vitro. Allele origin: not applicable. Functional consequence: functionally_normal. Not counted in ClinVar's aggregate classification.
ClinVar note: "not provided" was previously submitted as the classification for the variant. However, the classification appeared to be based only on an observation of functional data so it was converted to no classification on 2025-07-30.

Literature cited by the submitters: PubMed 37937776 (cited by Labcorp Genetics (formerly Invitae), Labcorp); PubMed 30209399 (cited by 4 submitters); PubMed 25823446 (cited by 4 submitters); PubMed 16267036 (cited by 3 submitters); PubMed 38160042 (cited by Women's Health and Genetics/Laboratory Corporation of America, LabCorp); PubMed 30287823 (cited by Quest Diagnostics Nichols Institute San Juan Capistrano).

NM_007294.4(BRCA1):c.20G>A (p.Arg7His)

Gene: BRCA1 (BRCA1 DNA repair associated; minus strand). Cytogenetic location: 17q21.31.
Variant type: single nucleotide variant.
Coding change: c.20G>A on transcript NM_007294.4 (MANE Select); coding-DNA position 20, G replaced by A.
Protein change: p.Arg7His; replaces arginine 7 with histidine.
Molecular consequence: missense variant. On other transcripts: 5 prime UTR variant (1), non-coding transcript variant (1).
Genome position (GRCh38, 1-based): chr17:43,124,077, C>T on the plus strand (G>A on the coding strand, the complement: BRCA1 is on the minus strand). VCF-style: chr17-43124077-C-T. GRCh37 (hg19) VCF-style: chr17-41276094-C-T.
Other names: c.-169G>A (NM_001407571.1, NM_001407853.1, NM_001407879.1 and 46 more transcripts); c.20G>A, p.Arg7His (NM_001407581.1, NM_001407582.1, NM_001407583.1 and 193 more transcripts); c.-238G>A (NM_001407694.1, NM_001407724.1, NM_001407727.1 and 11 more transcripts); c.-242G>A (NM_001407695.1, NM_001408465.1); c.-383G>A (NM_001407696.1); c.-267G>A (NM_001407697.1, NM_001407846.1, NM_001407920.1); c.-68G>A (NM_001407698.1, NM_001407732.1, NM_001407736.1 and 23 more transcripts); c.-241G>A (NM_001407725.1, NM_001407730.1, NM_001407734.1 and 22 more transcripts); and 8 more; short protein forms R7H.
Identifiers: ClinVar variation 184875 (VCV000184875.31), dbSNP rs144792613, ClinGen allele CA001390.